The following is an entry in ClinVar:

NM_000535.7(PMS2):c.1788_1789delinsGT (p.Asn596_Thr597delinsLysSer)

Gene: PMS2 (PMS1 homolog 2, mismatch repair system component; minus strand). Cytogenetic location: 7p22.1.
Variant type: Indel.
Coding change: c.1788_1789delinsGT on transcript NM_000535.7 (MANE Select); coding-DNA positions 1788 to 1789, TA replaced by GT.
Protein change: p.Asn596_Thr597delinsLysSer.
Molecular consequence: missense variant. On other transcripts: non-coding transcript variant (1).
Genome position (GRCh38, 1-based): chr7:5,986,976-5,986,977, TA replaced by AC on the plus strand (TA replaced by GT on the coding strand, the reverse complement: PMS2 is on the minus strand). VCF-style: chr7-5986976-TA-AC. GRCh37 (hg19) VCF-style: chr7-6026607-TA-AC.
Other names: c.1383_1384delinsGT, p.Asn461_Thr462delinsLysSer (NM_001322003.2, NM_001322004.2, NM_001322005.2 and 1 more transcripts); c.1632_1633delinsGT, p.Asn544_Thr545delinsLysSer (NM_001322006.2); c.1470_1471delinsGT, p.Asn490_Thr491delinsLysSer (NM_001322007.2, NM_001322008.2); c.1227_1228delinsGT, p.Asn409_Thr410delinsLysSer (NM_001322010.2); c.855_856delinsGT, p.Asn285_Thr286delinsLysSer (NM_001322011.2, NM_001322012.2); c.1215_1216delinsGT, p.Asn405_Thr406delinsLysSer (NM_001322013.2); c.1788_1789delinsGT, p.Asn596_Thr597delinsLysSer (NM_001322014.2); c.1479_1480delinsGT, p.Asn493_Thr494delinsLysSer (NM_001322015.2); and 1 more.
Identifiers: ClinVar variation 490097 (VCV000490097.6), dbSNP rs1554297233, ClinGen allele CA658683467.

ClinVar aggregate classification (germline): Uncertain significance (1 of 4 stars; one submission).

Conditions:
Hereditary cancer-predisposing syndrome. Also called: Hereditary Cancer Syndrome; Neoplastic Syndromes, Hereditary; Tumor predisposition; Hereditary neoplastic syndrome. Identifiers: Orphanet 140162, MedGen C0027672, MeSH D009386, MONDO:0015356.

Submission:

Color Diagnostics, LLC DBA Color Health
Classification: Uncertain significance for Hereditary cancer-predisposing syndrome. Last evaluated: 2024-03-06. Review status: criteria provided, single submitter. Criteria: ACMG Guidelines, 2015. Collection method: clinical testing. Allele origin: germline.
Comment: This variant causes an in-frame deletion of two amino acids and insertion of two amino acids in exon 11 of the PMS2 gene. To our knowledge, functional studies have not been reported for this variant. This variant has not been reported in individuals affected with PMS2-related disorders. This variant has not been identified in the general population by the Genome Aggregation Database (gnomAD). The available evidence is insufficient to determine the role of this variant in disease conclusively. Therefore, this variant is classified as a Variant of Uncertain Significance.